The following is an entry in ClinVar:

ClinVar aggregate classification (germline): Uncertain significance (1 of 4 stars; one submission).

Submission:

GeneDx
Classification: Uncertain significance. Last evaluated: 2024-01-23. Review status: criteria provided, single submitter. Criteria: GeneDx Variant Classification Process June 2021. Collection method: clinical testing. Allele origin: germline. Affected: yes.
Comment: Not observed at significant frequency in large population cohorts (gnomAD); In-frame deletion of 4 amino acids in a non-repeat region; In silico analysis supports a deleterious effect on protein structure/function; Has not been previously published as pathogenic or benign to our knowledge

NM_182931.3(KMT2E):c.5172_5183del (p.Val1726_Ser1729del)

Gene: KMT2E (lysine methyltransferase 2E (inactive); plus strand). Cytogenetic location: 7q22.3.
Variant type: Deletion.
Coding change: c.5172_5183del on transcript NM_182931.3 (MANE Select); coding-DNA positions 5172 to 5183, 12 bases deleted (CAGTGTTTTGGC).
Protein change: p.Val1726_Ser1729del.
Molecular consequence: inframe deletion.
Genome position (GRCh38, 1-based): chr7:105,112,928-105,112,939, CAGTGTTTTGGC deleted; deleting any 12 consecutive bases within chr7:105,112,927-105,112,939 gives the same sequence; the c. name uses the placement nearest the transcript's 3' end. VCF-style (leftmost placement, unchanged base first): chr7-105112926-TCCAGTGTTTTGG-T. GRCh37 (hg19) VCF-style: chr7-104753373-TCCAGTGTTTTGG-T.
Other names: c.5046_5057del, p.Val1684_Ser1687del (NM_001410908.1); c.5172_5183del, p.Val1726_Ser1729del (NM_018682.4).
Identifiers: ClinVar variation 3367887 (VCV003367887.1).